The following is an entry in ClinVar:

ClinVar aggregate classification (germline): Uncertain significance. Review status: criteria provided, multiple submitters, no conflicts (2 of 4 stars). 2 submissions from 2 submitters: Uncertain significance (2). Last evaluated 2025-05-21.

Allele frequency attached by ClinVar (database versions not stated): gnomAD exomes 0.00017 and 0.00020; gnomAD 0.00020; TOPMed 0.00027; ExAC 0.00045.
gnomAD v4.1: 274 of 1,551,472 alleles (0.018%); highest among the groups gnomAD compares: Middle Eastern, 0.067%; no homozygotes.

Submissions (2):

GeneDx
Classification: Uncertain significance. Last evaluated: 2025-05-21. Review status: criteria provided, single submitter. Criteria: GeneDx Variant Classification Process June 2021. Collection method: clinical testing. Allele origin: germline. Affected: yes.
Comment: In silico analysis suggests that this missense variant does not alter protein structure/function; Has not been previously published as pathogenic or benign to our knowledge

Blueprint Genetics
Classification: Uncertain significance. Last evaluated: 2024-10-14. Review status: criteria provided, single submitter. Criteria: ACMG Guidelines, 2015. Collection method: clinical testing. Allele origin: germline.

NM_001145026.2(PTPRQ):c.4409G>A (p.Arg1470His)

Gene: PTPRQ (protein tyrosine phosphatase receptor type Q; plus strand). Cytogenetic location: 12q21.31.
Variant type: single nucleotide variant.
Coding change: c.4409G>A on transcript NM_001145026.2 (MANE Select); coding-DNA position 4409, G replaced by A.
Protein change: p.Arg1470His; replaces arginine 1470 with histidine.
Molecular consequence: missense variant.
Genome position (GRCh38, 1-based): chr12:80,588,252, G>A. VCF-style: chr12-80588252-G-A. GRCh37 (hg19) VCF-style: chr12-80982031-G-A.
Other names: short protein forms R1470H.
Identifiers: ClinVar variation 1302431 (VCV001302431.5), dbSNP rs528129560, ClinGen allele CA6702728.